The following is an entry in ClinVar:

ClinVar aggregate classification (germline): Benign/Likely benign. Review status: criteria provided, multiple submitters, no conflicts (2 of 4 stars). 10 submissions from 10 submitters: Benign (5); Likely benign (1). 4 of the submissions do not count toward it. Last evaluated 2026-02-01.

Submissions (10):

Labcorp Genetics (formerly Invitae), Labcorp
Classification: Benign. Last evaluated: 2026-02-01. Review status: criteria provided, single submitter. Criteria: Invitae Variant Classification Sherloc (09022015). Collection method: clinical testing. Allele origin: germline.

Laboratory of Genetics, Children's Clinical University Hospital Latvia
Classification: Benign. Last evaluated: 2025-02-16. Review status: criteria provided, single submitter. Criteria: ACMG Guidelines, 2015. Collection method: clinical testing. Allele origin: germline. Affected: yes.

GeneDx
Classification: Likely benign. Last evaluated: 2020-06-02. Review status: criteria provided, single submitter. Criteria: GeneDx Variant Classification Process June 2021. Collection method: clinical testing. Allele origin: germline. Affected: yes.

Laboratory for Molecular Medicine, Mass General Brigham Personalized Medicine
Classification: Benign. Last evaluated: 2016-03-29. Review status: criteria provided, single submitter. Criteria: LMM Criteria. Collection method: clinical testing. Allele origin: germline.
Comment: Variant identified in a genome or exome case(s) and assessed due to predicted null impact of the variant or pathogenic assertions in the literature or databases. Disclaimer: This variant has not undergone full assessment. The following are preliminary notes: Frequency

Eurofins Ntd Llc (ga)
Classification: Benign. Last evaluated: 2015-12-08. Review status: criteria provided, single submitter. Criteria: EGL Classification Definitions 2015. Collection method: clinical testing. Allele origin: germline. Observed: 2 variant alleles, 2 homozygotes.

Genomic Diagnostic Laboratory, Division of Genomic Diagnostics, Children's Hospital of Philadelphia
Classification: Benign. Last evaluated: 2015-05-05. Review status: criteria provided, single submitter. Criteria: DGD Variant Analysis Guidelines. Collection method: clinical testing. Allele origin: unknown.

Mayo Clinic Laboratories, Mayo Clinic
Classification: Benign. Last evaluated: 2016-02-11. Review status: no assertion criteria provided. Collection method: clinical testing. Allele origin: unknown. Not counted in ClinVar's aggregate classification.

Clinical Genetics DNA and cytogenetics Diagnostics Lab, Erasmus MC, Erasmus Medical Center
Classification: Benign. Review status: no assertion criteria provided. Collection method: clinical testing. Allele origin: germline. Affected: yes. Study: VKGL Data-share Consensus. Not counted in ClinVar's aggregate classification.

Clinical Genetics, Academic Medical Center
Classification: Likely benign. Review status: no assertion criteria provided. Collection method: clinical testing. Allele origin: germline. Affected: yes. Study: VKGL Data-share Consensus. Not counted in ClinVar's aggregate classification.

Genome Diagnostics Laboratory, University Medical Center Utrecht
Classification: Benign. Review status: no assertion criteria provided. Collection method: clinical testing. Allele origin: germline. Affected: yes. Study: VKGL Data-share Consensus. Not counted in ClinVar's aggregate classification.

NM_001195248.2(APTX):c.484-3del

Gene: APTX (aprataxin; minus strand). Cytogenetic location: 9p21.1.
Variant type: Deletion.
Coding change: c.484-3del on transcript NM_001195248.2 (MANE Select); 3 bases into the intron before coding-DNA position 484, one base deleted (T; older notation c.484-3delT).
Molecular consequence: intron variant.
Genome position (GRCh38, 1-based): chr9:32,986,033, A deleted on the plus strand (T on the coding strand, the reverse complement: APTX is on the minus strand); the first of 10 consecutive A bases (chr9:32,986,033-32,986,042); deleting any one gives the same sequence. VCF-style (leftmost placement, unchanged base first): chr9-32986032-TA-T. GRCh37 (hg19) VCF-style: chr9-32986030-TA-T.
Other names: c.484-3delT (NM_175073.2, NM_001195249.1); c.322-3del (NM_001369001.1, NM_001369000.1, NM_001195250.2 and 1 more transcripts); c.484-3del (NM_001368996.1, NM_001368995.1, NM_001368997.1 and 6 more transcripts); c.220-3del (NM_001369002.1, NM_001369003.1, NM_001369004.1 and 5 more transcripts); c.268-3del (NM_001195252.2).
Identifiers: ClinVar variation 218539 (VCV000218539.21), dbSNP rs373304582, ClinGen allele CA249152.